The following is an entry in ClinVar:

NM_024675.4(PALB2):c.1240C>G (p.Arg414Gly)

Gene: PALB2 (partner and localizer of BRCA2; minus strand). Cytogenetic location: 16p12.2.
Variant type: single nucleotide variant.
Coding change: c.1240C>G on transcript NM_024675.4 (MANE Select); coding-DNA position 1240, C replaced by G.
Protein change: p.Arg414Gly; replaces arginine 414 with glycine.
Molecular consequence: missense variant. On other transcripts: intron variant (3).
Genome position (GRCh38, 1-based): chr16:23,635,306, G>C on the plus strand (C>G on the coding strand, the complement: PALB2 is on the minus strand). VCF-style: chr16-23635306-G-C. GRCh37 (hg19) VCF-style: chr16-23646627-G-C.
Other names: c.1180C>G, p.Arg394Gly (NM_001407296.1); c.1240C>G, p.Arg414Gly (NM_001407299.1, NM_001407297.1, NM_001407298.1 and 3 more transcripts); c.355C>G, p.Arg119Gly (NM_001407304.1, NM_001407305.1, NM_001407306.1 and 5 more transcripts); c.48+5804C>G (NM_001407314.1); c.-104-4837C>G (NM_001407313.1, NM_001407312.1); short protein forms R119G, R394G, R414G.
Identifiers: ClinVar variation 4757456 (VCV004757456.1).

ClinVar aggregate classification (germline): Uncertain significance (1 of 4 stars; one submission).

Conditions:
Hereditary cancer-predisposing syndrome. Also called: Tumor predisposition; Hereditary Cancer Syndrome; Neoplastic Syndromes, Hereditary; Hereditary neoplastic syndrome. Identifiers: Orphanet 140162, MedGen C0027672, MeSH D009386, MONDO:0015356.

gnomAD v4.1: 1 of 1,614,030 alleles (0.000062%); no homozygotes.

Submission:

Color Diagnostics, LLC DBA Color Health
Classification: Uncertain significance for Hereditary cancer-predisposing syndrome. Last evaluated: 2025-07-16. Review status: criteria provided, single submitter. Criteria: ACMG Guidelines, 2015. Collection method: clinical testing. Allele origin: germline.
Comment: This missense variant replaces arginine with glycine at codon 414 of the PALB2 protein. Computational prediction suggests that this variant may not impact protein structure and function. To our knowledge, functional studies have not been reported for this variant. This variant has not been reported in individuals affected with PALB2-related disorders in the literature. This variant has not been identified in the general population by the Genome Aggregation Database (gnomAD). The available evidence is insufficient to determine the role of this variant in disease conclusively. Therefore, this variant is classified as a Variant of Uncertain Significance.